The following is an entry in ClinVar:

NM_005476.7(GNE):c.425T>C (p.Ile142Thr)

Gene: GNE (glucosamine (UDP-N-acetyl)-2-epimerase/N-acetylmannosamine kinase; minus strand). Cytogenetic location: 9p13.3.
Variant type: single nucleotide variant.
Coding change: c.425T>C on transcript NM_005476.7 (MANE Select); coding-DNA position 425, T replaced by C.
Protein change: p.Ile142Thr; replaces isoleucine 142 with threonine.
Molecular consequence: missense variant.
Genome position (GRCh38, 1-based): chr9:36,246,222, A>G on the plus strand (T>C on the coding strand, the complement: GNE is on the minus strand). VCF-style: chr9-36246222-A-G. GRCh37 (hg19) VCF-style: chr9-36246219-A-G.
Other names: c.248T>C, p.Ile83Thr (NM_001190388.2, NM_001374798.1, NM_001190384.3); c.425T>C, p.Ile142Thr (NM_001374797.1, NM_001190383.3); c.518T>C, p.Ile173Thr (NM_001128227.3); short protein forms I142T, I173T, I83T.
Identifiers: ClinVar variation 1405998 (VCV001405998.9), dbSNP rs1829868500, ClinGen allele CA373418750.
Genomic context (GRCh38, chr9:36,246,222, plus strand): 5'-CGGGTGCAGCACACATGATAATGAGCCAGTTTTGTTATGGCATGTCTGATAGAGTCATCA[A>G]TGGTCCCACTGACTTCCCCACCTTCAATGTGAAGGATTCGGATGTTCATCAAGGCAGCAG-3'
Protein context (NP_005467.1, residues 132-152): HIEGGEVSGT[Ile142Thr]DDSIRHAITK

ClinVar aggregate classification (germline): Conflicting classifications of pathogenicity. Review status: criteria provided, conflicting classifications (1 of 4 stars). 2 submissions from 2 submitters: Likely pathogenic (1); Uncertain significance (1). Last evaluated 2025-01-22.

Conditions:
Thrombocytopenia 12 with or without myopathy (THC12). Identifiers: MedGen C5935593, MONDO:0958325, OMIM 620757.
GNE myopathy (NM). Also called: INCLUSION BODY MYOPATHY, HEREDITARY, AUTOSOMAL RECESSIVE; INCLUSION BODY MYOPATHY 2, AUTOSOMAL RECESSIVE; MYOPATHY, DISTAL, WITH OR WITHOUT RIMMED VACUOLES; IBM 2; Inclusion body myopathy autosomal recessive; Inclusion body myopathy quadriceps sparing. Identifiers: Orphanet 602, MedGen C1853926, MONDO:0011603, OMIM 605820.
Sialuria. Also called: SIALURIA, FRENCH TYPE; Sialic Acid Storage Disease. Identifiers: Orphanet 3166, MedGen C0342853, MONDO:0010028, OMIM 269921.

Allele frequency attached by ClinVar (database versions not stated): gnomAD exomes below 0.00001.
gnomAD v4.1: 2 of 1,614,198 alleles (0.00012%); highest among the groups gnomAD compares: Non-Finnish European, 0.00017%; no homozygotes.

Submissions (2):

Labcorp Genetics (formerly Invitae), Labcorp
Classification: Uncertain significance for Sialuria; GNE myopathy. Last evaluated: 2025-01-22. Review status: criteria provided, single submitter. Criteria: Invitae Variant Classification Sherloc (09022015). Collection method: clinical testing. Allele origin: germline.
Comment: This sequence change replaces isoleucine, which is neutral and non-polar, with threonine, which is neutral and polar, at codon 173 of the GNE protein (p.Ile173Thr). This variant is not present in population databases (gnomAD no frequency). This missense change has been observed in individual(s) with clinical features of autosomal recessive GNE-related myopathy (PMID: 20059379, 27363342). ClinVar contains an entry for this variant (Variation ID: 1405998). Invitae Evidence Modeling of protein sequence and biophysical properties (such as structural, functional, and spatial information, amino acid conservation, physicochemical variation, residue mobility, and thermodynamic stability) has been performed for this missense variant. However, the output from this modeling did not meet the statistical confidence thresholds required to predict the impact of this variant on GNE protein function. In summary, the available evidence is currently insufficient to determine the role of this variant in disease. Therefore, it has been classified as a Variant of Uncertain Significance.

Fulgent Genetics
Classification: Likely pathogenic for Sialuria; GNE myopathy; Thrombocytopenia 12 with or without myopathy. Last evaluated: 2024-03-16. Review status: criteria provided, single submitter. Criteria: ACMG Guidelines, 2015. Collection method: clinical testing. Allele origin: germline.

Literature cited by the submitters: PubMed 20059379 (cited by Labcorp Genetics (formerly Invitae), Labcorp); PubMed 27363342 (cited by Labcorp Genetics (formerly Invitae), Labcorp).